The following is an entry in ClinVar:

NM_000257.4(MYH7):c.3854G>A (p.Gly1285Asp)

Gene: MYH7 (myosin heavy chain 7; minus strand). Cytogenetic location: 14q11.2.
Variant type: single nucleotide variant.
Coding change: c.3854G>A on transcript NM_000257.4 (MANE Select); coding-DNA position 3854, G replaced by A.
Protein change: p.Gly1285Asp; replaces glycine 1285 with aspartic acid.
Molecular consequence: missense variant.
Genome position (GRCh38, 1-based): chr14:23,419,295, C>T on the plus strand (G>A on the coding strand, the complement: MYH7 is on the minus strand). VCF-style: chr14-23419295-C-T. GRCh37 (hg19) VCF-style: chr14-23888504-C-T.
Other names: c.3854G>A, p.Gly1285Asp (NM_001407004.1); short protein forms G1285D.
Identifiers: ClinVar variation 1735544 (VCV001735544.28), dbSNP rs1432333290, ClinGen allele CA389041816.

ClinVar aggregate classification (germline): Uncertain significance. Review status: criteria provided, multiple submitters, no conflicts (2 of 4 stars). 4 submissions from 4 submitters: Uncertain significance (4). Last evaluated 2025-09-22.

Conditions:
Cardiovascular phenotype. Identifiers: MedGen CN230736.
Cardiomyopathy (CMYO). Also called: Cardiomyopathies. Identifiers: Orphanet 167848, MedGen C0878544, MONDO:0004994, HP:0001638. Inheritance: Various modes of inheritance.
Primary dilated cardiomyopathy (DCM). Also called: Dilated Cardiomyopathy. Identifiers: Orphanet 217604, MedGen C0007193, MeSH D002311, MONDO:0005021, HP:0001644. Inheritance: Various modes of inheritance.

Allele frequency attached by ClinVar (database versions not stated): gnomAD 0.00001; TOPMed 0.00001.
gnomAD v4.1: 2 of 1,614,004 alleles (0.00012%); highest among the groups gnomAD compares: Non-Finnish European, 0.00017%; no homozygotes.

Submissions (4):

Color Diagnostics, LLC DBA Color Health
Classification: Uncertain significance for Cardiomyopathy. Last evaluated: 2025-09-22. Review status: criteria provided, single submitter. Criteria: ACMG Guidelines, 2015. Collection method: clinical testing. Allele origin: germline.
Comment: This missense variant replaces glycine with aspartic acid at codon 1285 of the MYH7 protein. Computational prediction suggests that this variant may not impact protein structure and function. To our knowledge, functional studies have not been reported for this variant. This variant has not been reported in individuals affected with MYH7-related disorders in the literature. This variant has not been identified in the general population by the Genome Aggregation Database (gnomAD). The available evidence is insufficient to determine the role of this variant in disease conclusively. Therefore, this variant is classified as a Variant of Uncertain Significance.

All of Us Research Program, National Institutes of Health
Classification: Uncertain significance for Primary dilated cardiomyopathy. Last evaluated: 2023-06-15. Review status: criteria provided, single submitter. Criteria: ACMG Guidelines, 2015. Collection method: clinical testing. Allele origin: germline. Inheritance: Autosomal dominant inheritance. Observed: 1 variant allele, 1 heterozygote.
Comment: To date, this variant has not been reported in association with human disease in the medical literature. This variant is absent from or rare in large population databases, including the Genome Aggregation Database.

This study involves interpretation of variants in research participants for the purpose of population health screening. Participant phenotype was not available at the time of variant classification. Additional details can be found in publication PMID: 35346344, PMCID: PMC8962531

CeGaT Center for Human Genetics Tuebingen
Classification: Uncertain significance. Last evaluated: 2022-11-01. Review status: criteria provided, single submitter. Criteria: CeGaT Center For Human Genetics Tuebingen Variant Classification Criteria Version 2. Collection method: clinical testing. Allele origin: germline. Affected: yes. Observed: 1 variant allele.
Comment: MYH7: PM2, PP2

Ambry Genetics
Classification: Uncertain significance for Cardiovascular phenotype. Last evaluated: 2020-11-24. Review status: criteria provided, single submitter. Criteria: Ambry Variant Classification Scheme 2023. Collection method: clinical testing. Allele origin: germline.
Comment: The p.G1285D variant (also known as c.3854G>A) is located in coding exon 27 of the MYH7 gene. The glycine at codon 1285 is replaced by aspartic acid, an amino acid with similar properties. This change occurs in the first base pair of coding exon 27. This amino acid position is well conserved in available vertebrate species; however, aspartic acid is the reference amino acid in other vertebrate species. In addition, this alteration is predicted to be tolerated by in silico analysis. Since supporting evidence is limited at this time, the clinical significance of this alteration remains unclear.